The following is an entry in ClinVar:

NM_207122.2(EXT2):c.109C>T (p.Leu37Phe)

Gene: EXT2 (exostosin glycosyltransferase 2; plus strand). Cytogenetic location: 11p11.2.
Variant type: single nucleotide variant.
Coding change: c.109C>T on transcript NM_207122.2 (MANE Select); coding-DNA position 109, C replaced by T.
Protein change: p.Leu37Phe; replaces leucine 37 with phenylalanine.
Molecular consequence: missense variant.
Genome position (GRCh38, 1-based): chr11:44,107,821, C>T. VCF-style: chr11-44107821-C-T. GRCh37 (hg19) VCF-style: chr11-44129371-C-T.
Other names: c.208C>T, p.Leu70Phe (NM_000401.3); c.109C>T, p.Leu37Phe (NM_001178083.3, NM_001389628.1, NM_001389630.1); short protein forms L37F, L70F.
Identifiers: ClinVar variation 4882653 (VCV004882653.2).

ClinVar aggregate classification (germline): Uncertain significance (1 of 4 stars; one submission).

Submission:

Dasa
Classification: Uncertain significance. Last evaluated: 2025-06-08. Review status: criteria provided, single submitter. Criteria: DASA Assertion Criteria. Collection method: clinical testing. Allele origin: germline.
Comment: NM_207122.2(EXT2):c.109C>T (p.Leu37Phe) is a missense variant that results in the substitution of leucine with phenylalanine. This variant is absent from population databases. Computational prediction algorithms are consistent with a benign effect. The currently available literature and clinical evidence are not sufficient to establish a definitive association between this variant and the reported condition. Therefore, this variant is classified as a variant of uncertain significance.